The following is an entry in ClinVar:

NM_004184.4(WARS1):c.1248C>G (p.Ile416Met)

Gene: WARS1 (tryptophanyl-tRNA synthetase 1; minus strand). Cytogenetic location: 14q32.2.
Variant type: single nucleotide variant.
Coding change: c.1248C>G on transcript NM_004184.4 (MANE Select); coding-DNA position 1248, C replaced by G.
Protein change: p.Ile416Met; replaces isoleucine 416 with methionine.
Molecular consequence: missense variant.
Genome position (GRCh38, 1-based): chr14:100,337,068, G>C on the plus strand (C>G on the coding strand, the complement: WARS1 is on the minus strand). VCF-style: chr14-100337068-G-C. GRCh37 (hg19) VCF-style: chr14-100803405-G-C.
Other names: c.1248C>G, p.Ile416Met (NM_173701.2); c.1125C>G, p.Ile375Met (NM_213645.2, NM_213646.2); short protein forms I375M, I416M.
Identifiers: ClinVar variation 3235044 (VCV003235044.1), dbSNP rs773636381, ClinGen allele CA390979278.

ClinVar aggregate classification (germline): Uncertain significance (1 of 4 stars; one submission).

Conditions:
Neuronopathy, distal hereditary motor, type 9. Also called: NEURONOPATHY, DISTAL HEREDITARY MOTOR, AUTOSOMAL DOMINANT 9; NEURONOPATHY, DISTAL HEREDITARY MOTOR, TYPE IX; NEUROPATHY, DISTAL HEREDITARY MOTOR, TYPE IX. Identifiers: MedGen C4540265, MONDO:0060585, OMIM 617721.

Submission:

Neuberg Centre For Genomic Medicine, NCGM
Classification: Uncertain significance for Neuronopathy, distal hereditary motor, type 9. Review status: criteria provided, single submitter. Criteria: ACMG Guidelines, 2015. Collection method: clinical testing. Allele origin: germline. Inheritance: Autosomal dominant inheritance. Affected: yes.
Comment: The missense variant c.1248C>G p.Ile416Met in the WARS1 gene has not been reported previously as a pathogenic variant nor as a benign variant, to our knowledge. This variant is novel not in any individuals in gnomAD Exomes and 1000 Genomes. The amino acid Isoleucine at position 416 is changed to a Methionine changing protein sequence and it might alter its composition and physico-chemical properties. The variant is predicted as damaging by SIFT. The amino acid change p.Ile416Met in WARS1 is predicted as conserved by GERP++ and PhyloP across 100 vertebrates. For these reasons, this variant has been classified as Uncertain Significance.